The following is an entry in ClinVar:

ClinVar aggregate classification (germline): Uncertain significance (1 of 4 stars; one submission).

Conditions:
Sulfite oxidase deficiency due to molybdenum cofactor deficiency type C. Also called: Molybdenum cofactor deficiency C; Molybdenum cofactor deficiency, complementation group C. Identifiers: Orphanet 308400, Orphanet 833, MedGen C1854990, MONDO:0014212, OMIM 615501.

Submission:

Labcorp Genetics (formerly Invitae), Labcorp
Classification: Uncertain significance for Sulfite oxidase deficiency due to molybdenum cofactor deficiency type C. Last evaluated: 2021-01-09. Review status: criteria provided, single submitter. Criteria: Invitae Variant Classification Sherloc (09022015). Collection method: clinical testing. Allele origin: germline.
Comment: This sequence change replaces isoleucine with threonine at codon 141 of the GPHN protein (p.Ile141Thr). The isoleucine residue is moderately conserved and there is a moderate physicochemical difference between isoleucine and threonine. This variant is not present in population databases (ExAC no frequency). This variant has not been reported in the literature in individuals with GPHN-related conditions. Algorithms developed to predict the effect of missense changes on protein structure and function are either unavailable or do not agree on the potential impact of this missense change (SIFT: "Tolerated"; PolyPhen-2: "Probably Damaging"; Align-GVGD: "Class C0"). In summary, the available evidence is currently insufficient to determine the role of this variant in disease. Therefore, it has been classified as a Variant of Uncertain Significance.

NM_020806.5(GPHN):c.422T>C (p.Ile141Thr)

Gene: GPHN (gephyrin; plus strand). Cytogenetic location: 14q23.3.
Variant type: single nucleotide variant.
Coding change: c.422T>C on transcript NM_020806.5 (MANE Select); coding-DNA position 422, T replaced by C.
Protein change: p.Ile141Thr; replaces isoleucine 141 with threonine.
Molecular consequence: missense variant.
Genome position (GRCh38, 1-based): chr14:66,916,035, T>C. VCF-style: chr14-66916035-T-C. GRCh37 (hg19) VCF-style: chr14-67382752-T-C.
Other names: c.422T>C, p.Ile141Thr (NM_001024218.2, NM_001377515.1, NM_001377516.1 and 2 more transcripts); c.461T>C, p.Ile154Thr (NM_001377514.1, NM_001377519.1); short protein forms I141T, I154T.
Identifiers: ClinVar variation 1435355 (VCV001435355.8), dbSNP rs2153558082, ClinGen allele CA390255892.